The following is an entry in ClinVar:

NM_000548.5(TSC2):c.5232C>T (p.Leu1744=)

Gene: TSC2 (TSC complex subunit 2; plus strand). Cytogenetic location: 16p13.3.
Variant type: single nucleotide variant.
Coding change: c.5232C>T on transcript NM_000548.5 (MANE Select); coding-DNA position 5232, C replaced by T.
Protein change: p.Leu1744=; no amino-acid change (leucine 1744 retained).
Molecular consequence: synonymous variant.
Genome position (GRCh38, 1-based): chr16:2,088,298, C>T. VCF-style: chr16-2088298-C-T. GRCh37 (hg19) VCF-style: chr16-2138299-C-T.
Other names: c.5031C>T, p.Leu1677= (NM_001077183.3); c.5163C>T, p.Leu1721= (NM_001114382.3); c.4923C>T, p.Leu1641= (NM_001318827.2); c.4887C>T, p.Leu1629= (NM_001318829.2); c.4500C>T, p.Leu1500= (NM_001318831.2); c.5064C>T, p.Leu1688= (NM_001318832.2); c.5034C>T, p.Leu1678= (NM_001363528.2); c.5100C>T, p.Leu1700= (NM_001370404.1); and 2 more.
Identifiers: ClinVar variation 468150 (VCV000468150.41), dbSNP rs772865175, ClinGen allele CA054515.

ClinVar aggregate classification (germline): Benign/Likely benign. Review status: criteria provided, multiple submitters, no conflicts (2 of 4 stars). 9 submissions from 9 submitters: Benign (2); Likely benign (7). Last evaluated 2025-11-14.

Conditions:
Tuberous sclerosis syndrome (TSC). Also called: Tuberous Sclerosis Complex; Tuberous sclerosis. Identifiers: Orphanet 805, MedGen C0041341, MONDO:0001734.
Tuberous sclerosis 2 (TSC2). Identifiers: Orphanet 805, MedGen C1860707, MONDO:0013199, OMIM 613254.
Hereditary cancer-predisposing syndrome. Also called: Hereditary neoplastic syndrome; Tumor predisposition; Neoplastic Syndromes, Hereditary; Hereditary Cancer Syndrome. Identifiers: Orphanet 140162, MedGen C0027672, MeSH D009386, MONDO:0015356.

Allele frequency attached by ClinVar (database versions not stated): ExAC 0.00001; gnomAD exomes 0.00001; TOPMed 0.00002.
gnomAD v4.1: 18 of 1,612,636 alleles (0.0011%); highest among the groups gnomAD compares: Admixed American, 0.0017%; no homozygotes.

Submissions (9):

Labcorp Genetics (formerly Invitae), Labcorp
Classification: Likely benign for Tuberous sclerosis 2. Last evaluated: 2025-11-14. Review status: criteria provided, single submitter. Criteria: Invitae Variant Classification Sherloc (09022015). Collection method: clinical testing. Allele origin: germline.

Myriad Genetics, Inc.
Classification: Benign for Tuberous sclerosis 2. Last evaluated: 2025-06-06. Review status: criteria provided, single submitter. Criteria: Myriad Autosomal Dominant, Autosomal Recessive and X-Linked Classification Criteria (2023). Collection method: clinical testing. Allele origin: unknown.
Comment: This variant is considered benign. This variant is a silent/synonymous amino acid change and it is not expected to impact splicing.

CeGaT Center for Human Genetics Tuebingen
Classification: Likely benign. Last evaluated: 2024-04-01. Review status: criteria provided, single submitter. Criteria: CeGaT Center For Human Genetics Tuebingen Variant Classification Criteria Version 2. Collection method: clinical testing. Allele origin: germline. Affected: yes. Observed: 1 variant allele.
Comment: TSC2: BP4, BP7

All of Us Research Program, National Institutes of Health
Classification: Likely benign for Tuberous sclerosis syndrome. Last evaluated: 2023-11-28. Review status: criteria provided, single submitter. Criteria: ACMG Guidelines, 2015. Collection method: clinical testing. Allele origin: germline. Inheritance: Autosomal dominant inheritance. Observed: 2 variant alleles, 2 heterozygotes.
Comment: This study involves interpretation of variants in research participants for the purpose of population health screening. Participant phenotype was not available at the time of variant classification. Additional details can be found in publication PMID: 35346344, PMCID: PMC8962531

Blueprint Genetics
Classification: Likely benign. Last evaluated: 2023-10-18. Review status: criteria provided, single submitter. Criteria: ACMG Guidelines, 2015. Collection method: clinical testing. Allele origin: germline.

Sema4
Classification: Likely benign for Hereditary cancer-predisposing syndrome. Last evaluated: 2022-03-12. Review status: criteria provided, single submitter. Criteria: Sema4 Curation Guidelines. Collection method: curation. Allele origin: germline.

Genome-Nilou Lab
Classification: Benign for Tuberous sclerosis 2. Last evaluated: 2021-11-07. Review status: criteria provided, single submitter. Criteria: ACMG Guidelines, 2015. Collection method: clinical testing. Allele origin: germline. Affected: no.

Ambry Genetics
Classification: Likely benign for Hereditary cancer-predisposing syndrome. Last evaluated: 2019-12-16. Review status: criteria provided, single submitter. Criteria: Ambry Variant Classification Scheme 2023. Collection method: clinical testing. Allele origin: germline.

GeneDx
Classification: Likely benign. Last evaluated: 2018-04-09. Review status: criteria provided, single submitter. Criteria: GeneDx Variant Classification (06012015). Collection method: clinical testing. Allele origin: germline. Affected: yes.
Comment: This variant is considered likely benign or benign based on one or more of the following criteria: it is a conservative change, it occurs at a poorly conserved position in the protein, it is predicted to be benign by multiple in silico algorithms, and/or has population frequency not consistent with disease.